The following is an entry in ClinVar:

ClinVar aggregate classification (germline): Uncertain significance (1 of 4 stars; one submission).

Allele frequency attached by ClinVar (database versions not stated): TOPMed 0.00002; gnomAD 0.00003.
gnomAD v4.1: 36 of 1,610,440 alleles (0.0022%); highest among the groups gnomAD compares: Non-Finnish European, 0.0031%; no homozygotes.

Submission:

Labcorp Genetics (formerly Invitae), Labcorp
Classification: Uncertain significance. Last evaluated: 2022-05-04. Review status: criteria provided, single submitter. Criteria: Invitae Variant Classification Sherloc (09022015). Collection method: clinical testing. Allele origin: germline.
Comment: In summary, the available evidence is currently insufficient to determine the role of this variant in disease. Therefore, it has been classified as a Variant of Uncertain Significance. Algorithms developed to predict the effect of missense changes on protein structure and function output the following: SIFT: "Deleterious"; PolyPhen-2: "Possibly Damaging"; Align-GVGD: "Class C0". The lysine amino acid residue is found in multiple mammalian species, which suggests that this missense change does not adversely affect protein function. This variant has not been reported in the literature in individuals affected with ZDBF2-related conditions. This variant is present in population databases (rs777447551, gnomAD 0.0009%). This sequence change replaces glutamic acid, which is acidic and polar, with lysine, which is basic and polar, at codon 1089 of the ZDBF2 protein (p.Glu1089Lys).

NM_020923.3(ZDBF2):c.3265G>A (p.Glu1089Lys)

Gene: ZDBF2 (zinc finger DBF-type containing 2; plus strand). Cytogenetic location: 2q33.3.
Variant type: single nucleotide variant.
Coding change: c.3265G>A on transcript NM_020923.3 (MANE Select); coding-DNA position 3265, G replaced by A.
Protein change: p.Glu1089Lys; replaces glutamic acid 1089 with lysine.
Molecular consequence: missense variant.
Genome position (GRCh38, 1-based): chr2:206,307,793, G>A. VCF-style: chr2-206307793-G-A. GRCh37 (hg19) VCF-style: chr2-207172517-G-A.
Other names: c.3259G>A, p.Glu1087Lys (NM_001285549.2); c.3265G>A, p.Glu1089Lys (NM_001369654.1); short protein forms E1087K, E1089K.
Identifiers: ClinVar variation 2002931 (VCV002002931.4), dbSNP rs777447551, ClinGen allele CA2072131.